The following is an entry in ClinVar:

ClinVar aggregate classification (germline): Uncertain significance (1 of 4 stars; one submission).

Submission:

Ambry Genetics
Classification: Uncertain significance. Last evaluated: 2025-06-24. Review status: criteria provided, single submitter. Criteria: Ambry Variant Classification Scheme 2023. Collection method: clinical testing. Allele origin: germline.
Comment: The p.R83S variant (also known as c.247C>A), located in coding exon 1 of the WNK2 gene, results from a C to A substitution at nucleotide position 247. The arginine at codon 83 is replaced by serine, an amino acid with dissimilar properties. This amino acid position is conserved. In addition, this alteration is predicted to be tolerated by in silico analysis. Based on the available evidence, the clinical significance of this variant remains unclear.

NM_006648.4(WNK2):c.247C>A (p.Arg83Ser)

Gene: WNK2 (WNK lysine deficient protein kinase 2; plus strand). Cytogenetic location: 9q22.31.
Variant type: single nucleotide variant.
Coding change: c.247C>A on transcript NM_006648.4 (MANE Select); coding-DNA position 247, C replaced by A.
Protein change: p.Arg83Ser; replaces arginine 83 with serine.
Molecular consequence: missense variant.
Genome position (GRCh38, 1-based): chr9:93,185,176, C>A. VCF-style: chr9-93185176-C-A. GRCh37 (hg19) VCF-style: chr9-95947458-C-A.
Other names: c.247C>A, p.Arg83Ser (NM_001282394.3); short protein forms R83S.
Identifiers: ClinVar variation 4201551 (VCV004201551.1).